The following is an entry in ClinVar:

ClinVar aggregate classification (germline): Uncertain significance. Review status: criteria provided, multiple submitters, no conflicts (2 of 4 stars). 2 submissions from 2 submitters: Uncertain significance (2). Last evaluated 2025-03-28.

Conditions:
Inborn genetic diseases. Identifiers: MedGen C0950123, MeSH D030342.

gnomAD v4.1: 35 of 1,613,104 alleles (0.0022%); highest among the groups gnomAD compares: Non-Finnish European, 0.003%; no homozygotes.

Submissions (2):

Ambry Genetics
Classification: Uncertain significance for Inborn genetic diseases. Last evaluated: 2025-03-28. Review status: criteria provided, single submitter. Criteria: Ambry Variant Classification Scheme 2023. Collection method: clinical testing. Allele origin: germline.

Labcorp Genetics (formerly Invitae), Labcorp
Classification: Uncertain significance. Last evaluated: 2024-12-26. Review status: criteria provided, single submitter. Criteria: Invitae Variant Classification Sherloc (09022015). Collection method: clinical testing. Allele origin: germline.
Comment: This sequence change replaces leucine, which is neutral and non-polar, with proline, which is neutral and non-polar, at codon 364 of the DHX37 protein (p.Leu364Pro). This variant is present in population databases (rs774081132, gnomAD 0.007%). This variant has not been reported in the literature in individuals affected with DHX37-related conditions. Invitae Evidence Modeling of protein sequence and biophysical properties (such as structural, functional, and spatial information, amino acid conservation, physicochemical variation, residue mobility, and thermodynamic stability) indicates that this missense variant is not expected to disrupt DHX37 protein function with a negative predictive value of 80%. In summary, the available evidence is currently insufficient to determine the role of this variant in disease. Therefore, it has been classified as a Variant of Uncertain Significance.

NM_032656.4(DHX37):c.1091T>C (p.Leu364Pro)

Gene: DHX37 (DEAH-box helicase 37; minus strand). Cytogenetic location: 12q24.31.
Variant type: single nucleotide variant.
Coding change: c.1091T>C on transcript NM_032656.4 (MANE Select); coding-DNA position 1091, T replaced by C.
Protein change: p.Leu364Pro; replaces leucine 364 with proline.
Molecular consequence: missense variant.
Genome position (GRCh38, 1-based): chr12:124,971,402, A>G on the plus strand (T>C on the coding strand, the complement: DHX37 is on the minus strand). VCF-style: chr12-124971402-A-G. GRCh37 (hg19) VCF-style: chr12-125455948-A-G.
Other names: c.1091T>C (NM_032656.3); short protein forms L364P.
Identifiers: ClinVar variation 3716241 (VCV003716241.3).